The following is an entry in ClinVar:

NM_198525.3(KIF7):c.143C>T (p.Thr48Ile)

Gene: KIF7 (kinesin family member 7; minus strand). Cytogenetic location: 15q26.1.
Variant type: single nucleotide variant.
Coding change: c.143C>T on transcript NM_198525.3 (MANE Select); coding-DNA position 143, C replaced by T.
Protein change: p.Thr48Ile; replaces threonine 48 with isoleucine.
Molecular consequence: missense variant.
Genome position (GRCh38, 1-based): chr15:89,652,788, G>A on the plus strand (C>T on the coding strand, the complement: KIF7 is on the minus strand). VCF-style: chr15-89652788-G-A. GRCh37 (hg19) VCF-style: chr15-90196019-G-A.
Other names: short protein forms T48I.
Identifiers: ClinVar variation 1516220 (VCV001516220.6), dbSNP rs1035083771, ClinGen allele CA274584476.
Genomic context (GRCh38, chr15:89,652,788, plus strand): 5'-TCCTGCCCCGCATCCTCGGCCAGCACCACGTGGAAGCCAAAGTGTCGGTCACGGCCCAGA[G>A]TGACGCGGCCAAGCCCTGGCTCCACCTGCAGGCAGCTCTGATGCCCGTGCAGCAGCTCCT-3'
Protein context (NP_940927.2, residues 38-58): LQVEPGLGRV[Thr48Ile]LGRDRHFGFH

ClinVar aggregate classification (germline): Uncertain significance (1 of 4 stars; one submission).

Conditions:
Acrocallosal syndrome (ACLS). Also called: HALLUX DUPLICATION, POSTAXIAL POLYDACTYLY, AND ABSENCE OF CORPUS CALLOSUM; Schinzel syndrome 1; Absence of corpus callosum with unusual facial appearance, mental deficiency, duplication of the halluces and polydactyly. Identifiers: Orphanet 36, MedGen C0796147, MONDO:0008708, OMIM 200990.

Allele frequency attached by ClinVar (database versions not stated): gnomAD exomes below 0.00001; TOPMed below 0.00001; gnomAD 0.00001.
gnomAD v4.1: 3 of 1,551,328 alleles (0.00019%); highest among the groups gnomAD compares: Non-Finnish European, 0.00026%; no homozygotes.

Submission:

Labcorp Genetics (formerly Invitae), Labcorp
Classification: Uncertain significance for Acrocallosal syndrome. Last evaluated: 2021-08-29. Review status: criteria provided, single submitter. Criteria: Invitae Variant Classification Sherloc (09022015). Collection method: clinical testing. Allele origin: germline.
Comment: This variant is not present in population databases (ExAC no frequency). This sequence change replaces threonine with isoleucine at codon 48 of the KIF7 protein (p.Thr48Ile). The threonine residue is weakly conserved and there is a moderate physicochemical difference between threonine and isoleucine. This variant has not been reported in the literature in individuals affected with KIF7-related conditions. In summary, the available evidence is currently insufficient to determine the role of this variant in disease. Therefore, it has been classified as a Variant of Uncertain Significance. Algorithms developed to predict the effect of missense changes on protein structure and function output the following: SIFT: "Deleterious"; PolyPhen-2: "Benign"; Align-GVGD: "Class C0". The isoleucine amino acid residue is found in multiple mammalian species, which suggests that this missense change does not adversely affect protein function.